The following is an entry in ClinVar:

NM_014252.4(SLC25A15):c.623-17A>G

Gene: SLC25A15 (solute carrier family 25 member 15; plus strand). Cytogenetic location: 13q14.11.
Variant type: single nucleotide variant.
Coding change: c.623-17A>G on transcript NM_014252.4 (MANE Select); 17 bases into the intron before coding-DNA position 623, A replaced by G.
Molecular consequence: intron variant.
Genome position (GRCh38, 1-based): chr13:40,808,421, A>G. VCF-style: chr13-40808421-A-G. GRCh37 (hg19) VCF-style: chr13-41382557-A-G.
Identifiers: ClinVar variation 378585 (VCV000378585.10), dbSNP rs191780003, ClinGen allele CA6959788.
Genomic context (GRCh38, chr13:40,808,421, plus strand): 5'-TACTACATTGACCTCTGGAAATGTCACATCAGCTGTTCTTGAGACAAAATACCATTTGCT[A>G]TTTTTTTTTTCTCTAGGCCCTGTACCTTTGATGTTAAGTGGTGGAGTTGGTGGGATTTGC-3'

ClinVar aggregate classification (germline): Benign/Likely benign. Review status: criteria provided, multiple submitters, no conflicts (2 of 4 stars). 4 submissions from 4 submitters: Benign (3); Likely benign (1). Last evaluated 2026-02-03.

Conditions:
Hyperornithinemia-hyperammonemia-homocitrullinuria syndrome (HHHS). Also called: Ornithine translocase deficiency; HHH SYNDROME. Identifiers: Orphanet 415, MedGen C0268540, MONDO:0009393, OMIM 238970.

Allele frequency attached by ClinVar (database versions not stated): ExAC 0.00338; gnomAD exomes 0.00389; 1000 Genomes Project 0.00639; gnomAD 0.00832 and 0.00905; TOPMed 0.00951.
gnomAD v4.1: 2,929 of 1,430,346 alleles (0.2%); highest among the groups gnomAD compares: African/African-American, 2.7%; 22 homozygotes.

Submissions (4):

Labcorp Genetics (formerly Invitae), Labcorp
Classification: Benign for Hyperornithinemia-hyperammonemia-homocitrullinuria syndrome. Last evaluated: 2026-02-03. Review status: criteria provided, single submitter. Criteria: Invitae Variant Classification Sherloc (09022015). Collection method: clinical testing. Allele origin: germline.

Fulgent Genetics
Classification: Likely benign for Hyperornithinemia-hyperammonemia-homocitrullinuria syndrome. Last evaluated: 2021-10-08. Review status: criteria provided, single submitter. Criteria: ACMG Guidelines, 2015. Collection method: clinical testing. Allele origin: unknown.

GeneDx
Classification: Benign. Last evaluated: 2016-11-14. Review status: criteria provided, single submitter. Criteria: GeneDx Variant Classification (06012015). Collection method: clinical testing. Allele origin: germline. Affected: yes.
Comment: This variant is considered likely benign or benign based on one or more of the following criteria: it is a conservative change, it occurs at a poorly conserved position in the protein, it is predicted to be benign by multiple in silico algorithms, and/or has population frequency not consistent with disease.

Breakthrough Genomics
Classification: Benign. Review status: criteria provided, single submitter. Criteria: ACMG Guidelines, 2015. Collection method: not provided. Allele origin: germline. Inheritance: Autosomal recessive inheritance. Affected: yes.